The following is an entry in ClinVar:

NM_004104.5(FASN):c.2645G>T (p.Gly882Val)

Gene: FASN (fatty acid synthase; minus strand). Cytogenetic location: 17q25.3.
Variant type: single nucleotide variant.
Coding change: c.2645G>T on transcript NM_004104.5 (MANE Select); coding-DNA position 2645, G replaced by T.
Protein change: p.Gly882Val; replaces glycine 882 with valine.
Molecular consequence: missense variant.
Genome position (GRCh38, 1-based): chr17:82,088,256, C>A on the plus strand (G>T on the coding strand, the complement: FASN is on the minus strand). VCF-style: chr17-82088256-C-A. GRCh37 (hg19) VCF-style: chr17-80046132-C-A.
Other names: short protein forms G882V.
Identifiers: ClinVar variation 934154 (VCV000934154.9), dbSNP rs371010865, ClinGen allele CA401556046.

ClinVar aggregate classification (germline): Uncertain significance (1 of 4 stars; one submission).

Conditions:
Epileptic encephalopathy. Identifiers: MedGen C0543888, HP:0200134.

Submission:

Labcorp Genetics (formerly Invitae), Labcorp
Classification: Uncertain significance for Epileptic encephalopathy. Last evaluated: 2019-09-24. Review status: criteria provided, single submitter. Criteria: Invitae Variant Classification Sherloc (09022015). Collection method: clinical testing. Allele origin: germline.
Comment: In summary, the available evidence is currently insufficient to determine the role of this variant in disease. Therefore, it has been classified as a Variant of Uncertain Significance. Algorithms developed to predict the effect of missense changes on protein structure and function are either unavailable or do not agree on the potential impact of this missense change (SIFT: "Deleterious"; PolyPhen-2: "Probably Damaging"; Align-GVGD: "Class C0"). This variant has not been reported in the literature in individuals with FASN-related conditions. This variant is not present in population databases (ExAC no frequency). This sequence change replaces glycine with valine at codon 882 of the FASN protein (p.Gly882Val). The glycine residue is highly conserved and there is a moderate physicochemical difference between glycine and valine.